The following is an entry in ClinVar:

ClinVar aggregate classification (germline): Uncertain significance. Review status: criteria provided, multiple submitters, no conflicts (2 of 4 stars). 2 submissions from 2 submitters: Uncertain significance (2). Last evaluated 2022-04-07.

Conditions:
Nemaline myopathy 2 (NEM2). Also called: Nemaline myopathy 2, autosomal recessive. Identifiers: MedGen C1850569, MONDO:0009725, OMIM 256030.

Allele frequency attached by ClinVar (database versions not stated): ExAC 0.00001; gnomAD exomes 0.00001; TOPMed 0.00001.
gnomAD v4.1: 14 of 1,611,602 alleles (0.00087%); highest among the groups gnomAD compares: East Asian, 0.0045%; no homozygotes.

Submissions (2):

Labcorp Genetics (formerly Invitae), Labcorp
Classification: Uncertain significance for Nemaline myopathy 2. Last evaluated: 2022-04-07. Review status: criteria provided, single submitter. Criteria: Invitae Variant Classification Sherloc (09022015). Collection method: clinical testing. Allele origin: germline.
Comment: This sequence change replaces arginine, which is basic and polar, with glutamine, which is neutral and polar, at codon 6063 of the NEB protein (p.Arg6063Gln). This variant is present in population databases (rs752344851, gnomAD 0.002%). This variant has not been reported in the literature in individuals affected with NEB-related conditions. Algorithms developed to predict the effect of missense changes on protein structure and function are either unavailable or do not agree on the potential impact of this missense change (SIFT: "Deleterious"; PolyPhen-2: "Not Available"; Align-GVGD: "Class C0"). In summary, the available evidence is currently insufficient to determine the role of this variant in disease. Therefore, it has been classified as a Variant of Uncertain Significance.

Revvity Omics, Revvity
Classification: Uncertain significance. Last evaluated: 2019-10-17. Review status: criteria provided, single submitter. Criteria: ACMG Guidelines, 2015. Collection method: clinical testing. Allele origin: germline.

NM_001164508.2(NEB):c.18188G>A (p.Arg6063Gln)

Gene: NEB (nebulin; minus strand). Cytogenetic location: 2q23.3.
Variant type: single nucleotide variant.
Coding change: c.18188G>A on transcript NM_001164508.2 (MANE Select); coding-DNA position 18188, G replaced by A.
Protein change: p.Arg6063Gln; replaces arginine 6063 with glutamine.
Molecular consequence: missense variant.
Genome position (GRCh38, 1-based): chr2:151,565,789, C>T on the plus strand (G>A on the coding strand, the complement: NEB is on the minus strand). VCF-style: chr2-151565789-C-T. GRCh37 (hg19) VCF-style: chr2-152422303-C-T.
Other names: c.18188G>A, p.Arg6063Gln (NM_001164507.2, NM_001271208.2); c.13085G>A, p.Arg4362Gln (NM_004543.5); short protein forms R6063Q, R4362Q.
Identifiers: ClinVar variation 2141595 (VCV002141595.4), dbSNP rs752344851, ClinGen allele CA1908020.